The following is an entry in ClinVar:

NM_000815.5(GABRD):c.985G>A (p.Ala329Thr)

Gene: GABRD (gamma-aminobutyric acid type A receptor subunit delta; plus strand). Cytogenetic location: 1p36.33.
Variant type: single nucleotide variant.
Coding change: c.985G>A on transcript NM_000815.5 (MANE Select); coding-DNA position 985, G replaced by A.
Protein change: p.Ala329Thr; replaces alanine 329 with threonine.
Molecular consequence: missense variant.
Genome position (GRCh38, 1-based): chr1:2,029,688, G>A. VCF-style: chr1-2029688-G-A. GRCh37 (hg19) VCF-style: chr1-1961127-G-A.
Other names: short protein forms A329T.
Identifiers: ClinVar variation 2864965 (VCV002864965.3), dbSNP rs1270464006, ClinGen allele CA337960188.

ClinVar aggregate classification (germline): Uncertain significance (1 of 4 stars; one submission).

Conditions:
Idiopathic generalized epilepsy. Also called: Generalised epilepsy; EIG. Identifiers: MedGen C0270850, MONDO:0005579, OMIM 600669.

Allele frequency attached by ClinVar (database versions not stated): TOPMed below 0.00001; gnomAD 0.00001.
gnomAD v4.1: 4 of 1,613,466 alleles (0.00025%); highest among the groups gnomAD compares: Admixed American, 0.0017%; no homozygotes.

Submission:

Labcorp Genetics (formerly Invitae), Labcorp
Classification: Uncertain significance for Idiopathic generalized epilepsy. Last evaluated: 2023-05-16. Review status: criteria provided, single submitter. Criteria: Invitae Variant Classification Sherloc (09022015). Collection method: clinical testing. Allele origin: germline.
Comment: In summary, the available evidence is currently insufficient to determine the role of this variant in disease. Therefore, it has been classified as a Variant of Uncertain Significance. An algorithm developed to predict the effect of missense changes on protein structure and function (PolyPhen-2) suggests that this variant is likely to be disruptive. This variant has not been reported in the literature in individuals affected with GABRD-related conditions. This variant is present in population databases (no rsID available, gnomAD 0.0009%). This sequence change replaces alanine, which is neutral and non-polar, with threonine, which is neutral and polar, at codon 329 of the GABRD protein (p.Ala329Thr).